The following is an entry in ClinVar:

NM_000130.5(F5):c.1281C>G (p.Val427=)

Gene: F5 (coagulation factor V; minus strand). Cytogenetic location: 1q24.2.
Variant type: single nucleotide variant.
Coding change: c.1281C>G on transcript NM_000130.5 (MANE Select); coding-DNA position 1281, C replaced by G.
Protein change: p.Val427=; no amino-acid change (valine 427 retained).
Molecular consequence: synonymous variant.
Genome position (GRCh38, 1-based): chr1:169,552,572, G>C on the plus strand (C>G on the coding strand, the complement: F5 is on the minus strand). VCF-style: chr1-169552572-G-C. GRCh37 (hg19) VCF-style: chr1-169521810-G-C.
Identifiers: ClinVar variation 3051731 (VCV003051731.3), dbSNP rs1292267151, ClinGen allele CA421732478.

ClinVar aggregate classification (germline): Likely pathogenic. Review status: criteria provided, single submitter (1 of 4 stars). 2 submissions from 2 submitters: Likely pathogenic (1). 1 of the submissions does not count toward it. Last evaluated 2025-06-01.

Conditions:
F5-related disorder. Also called: F5-related condition.

Allele frequency attached by ClinVar (database versions not stated): gnomAD exomes below 0.00001; TOPMed 0.00001.
gnomAD v4.1: 1 of 1,613,384 alleles (0.000062%); highest among the groups gnomAD compares: Non-Finnish European, 0.000085%; no homozygotes.

Submissions (2):

GeneDx
Classification: Likely pathogenic. Last evaluated: 2025-06-01. Review status: criteria provided, single submitter. Criteria: GeneDx Variant Classification Process June 2021. Collection method: clinical testing. Allele origin: germline. Affected: yes.
Comment: RNA studies demonstrate a damaging effect: cells transfected with the minigene construct produce almost exclusively aberrantly spliced mRNA (PMID: 25470420); Not observed at significant frequency in large population cohorts (gnomAD); In silico analysis supports a deleterious effect on splicing; This variant is associated with the following publications: (PMID: 25470420)

PreventionGenetics, part of Exact Sciences
Classification: Uncertain significance for F5-related condition. Last evaluated: 2024-01-19. Review status: no assertion criteria provided. Collection method: clinical testing. Allele origin: germline. Not counted in ClinVar's aggregate classification.
Comment: The F5 c.1281C>G variant is not predicted to result in an amino acid change (p.=). This variant is predicted to alter splicing based on available splicing prediction programs (Alamut Visual plus v1.6.1). This variant has been reported in an individual with Factor V deficiency; functional study showed that this variant can disrupt the splicing code and impair pre-mRNA processing (Nuzzo et al 2015. PubMed ID: 25470420). This variant has not been reported in a large population database, indicating this variant is rare. Although we suspect that this variant may be pathogenic, at this time, the clinical significance of this variant is uncertain.